The following is an entry in ClinVar:

ClinVar aggregate classification (germline): Likely benign (1 of 4 stars; one submission).

Allele frequency attached by ClinVar (database versions not stated): 1000 Genomes Project 0.00439; 1000 Genomes Project 30x 0.00453; TOPMed 0.00553; gnomAD 0.00571; ExAC 0.00701; gnomAD exomes 0.00736.
gnomAD v4.1: 4,592 of 653,748 alleles (0.7%); highest among the groups gnomAD compares: Middle Eastern, 2.6%; 29 homozygotes.

Submission:

CeGaT Center for Human Genetics Tuebingen
Classification: Likely benign. Last evaluated: 2023-01-01. Review status: criteria provided, single submitter. Criteria: CeGaT Center For Human Genetics Tuebingen Variant Classification Criteria Version 2. Collection method: clinical testing. Allele origin: germline. Affected: yes. Observed: 1 variant allele.
Comment: LRRC9: BP4, BP7, BS2

NM_001395648.1(LRRC9):c.4251C>T (p.Asp1417=)

Genes: LRRC9 (leucine rich repeat containing 9; plus strand), PCNX4-DT (PCNX4 divergent transcript; minus strand). Cytogenetic location: 14q23.1.
Variant type: single nucleotide variant.
Coding change: c.4251C>T on transcript NM_001395648.1 (MANE Select); coding-DNA position 4251, C replaced by T.
Protein change: p.Asp1417=; no amino-acid change (aspartic acid 1417 retained).
Molecular consequence: synonymous variant. On other transcripts: non-coding transcript variant (1).
Genome position (GRCh38, 1-based): chr14:60,057,997, C>T. VCF-style: chr14-60057997-C-T. GRCh37 (hg19) VCF-style: chr14-60524715-C-T.
Other names: c.4251C>T, p.Asp1417= (NM_001355272.3).
Identifiers: ClinVar variation 2644264 (VCV002644264.24), dbSNP rs45545035, ClinGen allele CA7210219.